The following is an entry in ClinVar:

NM_000138.5(FBN1):c.4382G>A (p.Cys1461Tyr)

Gene: FBN1 (fibrillin 1; minus strand). Cytogenetic location: 15q21.1.
Variant type: single nucleotide variant.
Coding change: c.4382G>A on transcript NM_000138.5 (MANE Select); coding-DNA position 4382, G replaced by A.
Protein change: p.Cys1461Tyr; replaces cysteine 1461 with tyrosine.
Molecular consequence: missense variant.
Genome position (GRCh38, 1-based): chr15:48,470,711, C>T on the plus strand (G>A on the coding strand, the complement: FBN1 is on the minus strand). VCF-style: chr15-48470711-C-T. GRCh37 (hg19) VCF-style: chr15-48762908-C-T.
Other names: short protein forms C1461Y.
Identifiers: ClinVar variation 1069628 (VCV001069628.9), dbSNP rs1057522902, ClinGen allele CA392354613.

ClinVar aggregate classification (germline): Pathogenic (1 of 4 stars; one submission).

Conditions:
Familial thoracic aortic aneurysm and aortic dissection (TAAD). Also called: Thoracic aortic aneurysms and dissections. Identifiers: Orphanet 91387, MedGen C4707243, MONDO:0019625.
Marfan syndrome (MFS). Also called: Marfan syndrome type 1; Marfan's syndrome; Marfan syndrome, classic; MARFAN SYNDROME, TYPE I; FBN1-Related Marfan Syndrome. Identifiers: Orphanet 284963, Orphanet 558, MedGen C0024796, MONDO:0007947, OMIM 154700.

Submission:

Labcorp Genetics (formerly Invitae), Labcorp
Classification: Pathogenic for Marfan syndrome; Familial thoracic aortic aneurysm and aortic dissection. Last evaluated: 2020-03-09. Review status: criteria provided, single submitter. Criteria: Invitae Variant Classification Sherloc (09022015). Collection method: clinical testing. Allele origin: germline.
Comment: This variant affects a cysteine residue in the EGF-like, TGFBP or hybrid motif domains of FBN1. Cysteine residues are believed to be involved in intramolecular disulfide bridges and have been shown to be important for FBN1 protein structure (PMID: 16905551, 19349279). In addition, missense substitutions affecting cysteine residues within these domains are significantly overrepresented among patients with Marfan syndrome (PMID: 16571647, 17701892). For these reasons, this variant has been classified as Pathogenic. This variant disrupts the p.Cys1461 amino acid residue in FBN1. Other variant(s) that disrupt this residue have been observed in individuals with FBN1-related conditions (PMID: 25053872), which suggests that this may be a clinically significant amino acid residue. Algorithms developed to predict the effect of missense changes on protein structure and function (SIFT, PolyPhen-2, Align-GVGD) all suggest that this variant is likely to be disruptive, but these predictions have not been confirmed by published functional studies and their clinical significance is uncertain. This variant has been observed in individual(s) with clinical features of Marfan syndrome (Invitae). This variant is not present in population databases (ExAC no frequency). This sequence change replaces cysteine with tyrosine at codon 1461 of the FBN1 protein (p.Cys1461Tyr). The cysteine residue is highly conserved and there is a large physicochemical difference between cysteine and tyrosine.

Literature cited by the submitters: PubMed 16905551; PubMed 19349279; PubMed 16571647; PubMed 17701892; PubMed 25053872.